The following is an entry in ClinVar:

ClinVar aggregate classification (germline): Likely pathogenic (1 of 4 stars; one submission).

gnomAD v4.1: 4 of 1,184,679 alleles (0.00034%); highest among the groups gnomAD compares: Non-Finnish European, 0.00046%; no homozygotes.

Submission:

GeneDx
Classification: Likely pathogenic. Last evaluated: 2024-06-20. Review status: criteria provided, single submitter. Criteria: GeneDx Variant Classification Process June 2021. Collection method: clinical testing. Allele origin: germline. Affected: yes.
Comment: In silico analysis supports that this missense variant has a deleterious effect on protein structure/function; Not observed at significant frequency in large population cohorts (gnomAD); This variant is associated with the following publications: (PMID: 35982159, 33057194, 33504798)

NM_015107.3(PHF8):c.1312C>T (p.Arg438Cys)

Gene: PHF8 (PHD finger protein 8; minus strand). Cytogenetic location: Xp11.22.
Variant type: single nucleotide variant.
Coding change: c.1312C>T on transcript NM_015107.3 (MANE Select); coding-DNA position 1312, C replaced by T.
Protein change: p.Arg438Cys; replaces arginine 438 with cysteine.
Molecular consequence: missense variant.
Genome position (GRCh38, 1-based): chrX:53,995,704, G>A on the plus strand (C>T on the coding strand, the complement: PHF8 is on the minus strand). VCF-style: chrX-53995704-G-A. GRCh37 (hg19) VCF-style: chrX-54022137-G-A.
Other names: c.1420C>T, p.Arg474Cys (NM_001184896.1); c.1312C>T, p.Arg438Cys (NM_001184897.2, NM_001184898.2); short protein forms R438C, R474C.
Identifiers: ClinVar variation 1305647 (VCV001305647.3), dbSNP rs2149842089, ClinGen allele CA413258727.